The following is an entry in ClinVar:

NM_053025.4(MYLK):c.4731C>G (p.His1577Gln)

Gene: MYLK (myosin light chain kinase; minus strand). Cytogenetic location: 3q21.1.
Variant type: single nucleotide variant.
Coding change: c.4731C>G on transcript NM_053025.4 (MANE Select); coding-DNA position 4731, C replaced by G.
Protein change: p.His1577Gln; replaces histidine 1577 with glutamine.
Molecular consequence: missense variant.
Genome position (GRCh38, 1-based): chr3:123,640,393, G>C on the plus strand (C>G on the coding strand, the complement: MYLK is on the minus strand). VCF-style: chr3-123640393-G-C. GRCh37 (hg19) VCF-style: chr3-123359240-G-C.
Other names: c.4203C>G, p.His1401Gln (NM_001321309.2); c.4524C>G, p.His1508Gln (NM_053026.4, NM_053028.4); c.4731C>G, p.His1577Gln (NM_053027.4); short protein forms H1577Q, H1401Q, H1508Q.
Identifiers: ClinVar variation 567347 (VCV000567347.11), dbSNP rs1399378417, ClinGen allele CA354226081.
Genomic context (GRCh38, chr3:123,640,393, plus strand): 5'-CGTCTTGTTGACACACATGATGTTCTCCGGCTTGAGGTCCAGGTGCACGATGCCCTGCTT[G>C]TGGATGTACTCCACTCCCTCCGAGATCTGCCGCATGTACTTGATGCACTCACGCTCCGTC-3'
Protein context (NP_444253.3, residues 1567-1587): RQISEGVEYI[His1577Gln]KQGIVHLDLK

ClinVar aggregate classification (germline): Uncertain significance. Review status: criteria provided, multiple submitters, no conflicts (2 of 4 stars). 2 submissions from 2 submitters: Uncertain significance (2). Last evaluated 2025-06-10.

Conditions:
Aortic aneurysm, familial thoracic 7 (AAT7). Also called: AORTIC DISSECTION, FAMILIAL, WITH OR WITHOUT AORTIC ANEURYSM. Identifiers: MedGen C3151077, MONDO:0013418, OMIM 613780.

Allele frequency attached by ClinVar (database versions not stated): gnomAD exomes below 0.00001; TOPMed below 0.00001.
gnomAD v4.1: 2 of 1,613,876 alleles (0.00012%); highest among the groups gnomAD compares: Non-Finnish European, 0.00017%; no homozygotes.

Submissions (2):

GeneDx
Classification: Uncertain significance. Last evaluated: 2025-06-10. Review status: criteria provided, single submitter. Criteria: GeneDx Variant Classification Process June 2021. Collection method: clinical testing. Allele origin: germline. Affected: yes.
Comment: Not observed at significant frequency in large population cohorts (gnomAD); In silico analysis supports that this missense variant has a deleterious effect on protein structure/function; Has not been previously published as pathogenic or benign to our knowledge

Labcorp Genetics (formerly Invitae), Labcorp
Classification: Uncertain significance for Aortic aneurysm, familial thoracic 7. Last evaluated: 2024-10-19. Review status: criteria provided, single submitter. Criteria: Invitae Variant Classification Sherloc (09022015). Collection method: clinical testing. Allele origin: germline.
Comment: This sequence change replaces histidine, which is basic and polar, with glutamine, which is neutral and polar, at codon 1577 of the MYLK protein (p.His1577Gln). This variant is not present in population databases (gnomAD no frequency). This variant has not been reported in the literature in individuals affected with MYLK-related conditions. ClinVar contains an entry for this variant (Variation ID: 567347). Invitae Evidence Modeling of protein sequence and biophysical properties (such as structural, functional, and spatial information, amino acid conservation, physicochemical variation, residue mobility, and thermodynamic stability) indicates that this missense variant is not expected to disrupt MYLK protein function with a negative predictive value of 80%. In summary, the available evidence is currently insufficient to determine the role of this variant in disease. Therefore, it has been classified as a Variant of Uncertain Significance.